The following is an entry in ClinVar:

NM_017449.5(EPHB2):c.1766-9G>T

Gene: EPHB2 (EPH receptor B2; plus strand). Cytogenetic location: 1p36.12.
Variant type: single nucleotide variant.
Coding change: c.1766-9G>T on transcript NM_017449.5 (MANE Select); 9 bases into the intron before coding-DNA position 1766, G replaced by T.
Molecular consequence: intron variant.
Genome position (GRCh38, 1-based): chr1:22,905,978, G>T. VCF-style: chr1-22905978-G-T. GRCh37 (hg19) VCF-style: chr1-23232471-G-T.
Other names: c.1769-9G>T (NM_004442.7); c.1766-9G>T (NM_001309193.2); c.1592-9G>T (NM_001309192.2).
Identifiers: ClinVar variation 725446 (VCV000725446.8), dbSNP rs192570926, ClinGen allele CA678800.
Genomic context (GRCh38, chr1:22,905,978, plus strand): 5'-GCTCCCGCTTTTCCTTTTTGTGTGCATCTTGAGTCAGTCCATATGACAGAGCCTGGTCTT[G>T]TCCCCCAGTGACCCCAGGCATGAAGATCTACATCGATCCTTTCACCTACGAGGACCCCAA-3'

ClinVar aggregate classification (germline): Benign/Likely benign. Review status: criteria provided, multiple submitters, no conflicts (2 of 4 stars). 4 submissions from 4 submitters: Benign (2); Likely benign (1). 1 of the submissions does not count toward it. Last evaluated 2024-11-26.

Conditions:
EPHB2-related disorder. Also called: EPHB2-related condition.

Allele frequency attached by ClinVar (database versions not stated): ExAC 0.00089; gnomAD exomes 0.00106 and 0.00197; 1000 Genomes Project 0.00120; gnomAD 0.00128 and 0.00137; TOPMed 0.00149; 1000 Genomes Project 30x 0.00156.
gnomAD v4.1: 3,067 of 1,614,012 alleles (0.19%); highest among the groups gnomAD compares: Non-Finnish European, 0.24%; 4 homozygotes.

Submissions (4):

Blueprint Genetics
Classification: Likely benign. Last evaluated: 2024-11-26. Review status: criteria provided, single submitter. Criteria: ACMG Guidelines, 2015. Collection method: clinical testing. Allele origin: germline.

Labcorp Genetics (formerly Invitae), Labcorp
Classification: Benign. Last evaluated: 2019-12-31. Review status: criteria provided, single submitter. Criteria: Invitae Variant Classification Sherloc (09022015). Collection method: clinical testing. Allele origin: germline.

Breakthrough Genomics
Classification: Benign. Review status: criteria provided, single submitter. Criteria: ACMG Guidelines, 2015. Collection method: not provided. Allele origin: germline. Inheritance: Autosomal recessive inheritance. Affected: yes.

PreventionGenetics, part of Exact Sciences
Classification: Likely benign for EPHB2-related condition. Last evaluated: 2019-06-25. Review status: no assertion criteria provided. Collection method: clinical testing. Allele origin: germline. Not counted in ClinVar's aggregate classification.
Comment: This variant is classified as likely benign based on ACMG/AMP sequence variant interpretation guidelines (Richards et al. 2015 PMID: 25741868, with internal and published modifications).